The following is an entry in ClinVar:

ClinVar aggregate classification (germline): Uncertain significance (1 of 4 stars; one submission).

Allele frequency attached by ClinVar (database versions not stated): 1000 Genomes Project 0.00020; 1000 Genomes Project 30x 0.00031.

Submission:

Labcorp Genetics (formerly Invitae), Labcorp
Classification: Uncertain significance. Last evaluated: 2022-07-06. Review status: criteria provided, single submitter. Criteria: Invitae Variant Classification Sherloc (09022015). Collection method: clinical testing. Allele origin: germline.
Comment: Algorithms developed to predict the effect of missense changes on protein structure and function (SIFT, PolyPhen-2, Align-GVGD) all suggest that this variant is likely to be tolerated. This variant has not been reported in the literature in individuals affected with PRDM13-related conditions. This variant is not present in population databases (gnomAD no frequency). This sequence change replaces proline, which is neutral and non-polar, with glutamine, which is neutral and polar, at codon 396 of the PRDM13 protein (p.Pro396Gln). Algorithms developed to predict the effect of sequence changes on RNA splicing suggest that this variant may create or strengthen a splice site. In summary, the available evidence is currently insufficient to determine the role of this variant in disease. Therefore, it has been classified as a Variant of Uncertain Significance.

NM_021620.4(PRDM13):c.1187C>A (p.Pro396Gln)

Gene: PRDM13 (PR/SET domain 13; plus strand). Cytogenetic location: 6q16.2.
Variant type: single nucleotide variant.
Coding change: c.1187C>A on transcript NM_021620.4 (MANE Select); coding-DNA position 1187, C replaced by A.
Protein change: p.Pro396Gln; replaces proline 396 with glutamine.
Molecular consequence: missense variant.
Genome position (GRCh38, 1-based): chr6:99,613,822, C>A. VCF-style: chr6-99613822-C-A. GRCh37 (hg19) VCF-style: chr6-100061698-C-A.
Other names: short protein forms P396Q.
Identifiers: ClinVar variation 2039481 (VCV002039481.4), dbSNP rs527649781, ClinGen allele CA143975531.
Genomic context (GRCh38, chr6:99,613,822, plus strand): 5'-CGCCGCCTGGCCTGCCCTGCTCTGGGGCCCTGCGCGGCTTCCCTCTGCTCTCCGTCCCCC[C>A]GGAAGAGGCGTCCGCCTTCAAGCACGTGGAGCGCGCCCCGCCCGCAGCCGCCGCGCTGCC-3'
Protein context (NP_067633.2, residues 386-406): LRGFPLLSVP[Pro396Gln]EEASAFKHVE